The following is an entry in ClinVar:

ClinVar aggregate classification (germline): Pathogenic (1 of 4 stars; one submission).

Conditions:
Multiple congenital anomalies-hypotonia-seizures syndrome 1 (MCAHS1). Also called: PIGN-CDG; Congenital disorder of glycosylation due to PIGN deficiency; GLYCOSYLPHOSPHATIDYLINOSITOL BIOSYNTHESIS DEFECT 3. Identifiers: Orphanet 280633, MedGen C3279775, MONDO:0013563, OMIM 614080.

Submission:

Labcorp Genetics (formerly Invitae), Labcorp
Classification: Pathogenic for Multiple congenital anomalies-hypotonia-seizures syndrome 1. Last evaluated: 2023-04-09. Review status: criteria provided, single submitter. Criteria: Invitae Variant Classification Sherloc (09022015). Collection method: clinical testing. Allele origin: germline.
Comment: This sequence change creates a premature translational stop signal (p.Trp506*) in the PIGN gene. It is expected to result in an absent or disrupted protein product. Loss-of-function variants in PIGN are known to be pathogenic (PMID: 24253414, 27038415). For these reasons, this variant has been classified as Pathogenic. Algorithms developed to predict the effect of sequence changes on RNA splicing suggest that this variant may disrupt the consensus splice site. This variant has not been reported in the literature in individuals affected with PIGN-related conditions. This variant is not present in population databases (gnomAD no frequency).

Literature cited by the submitters: PubMed 24253414; PubMed 27038415.

NM_176787.5(PIGN):c.1518G>A (p.Trp506Ter)

Gene: PIGN (phosphatidylinositol glycan anchor biosynthesis class N; minus strand). Cytogenetic location: 18q21.33.
Variant type: single nucleotide variant.
Coding change: c.1518G>A on transcript NM_176787.5 (MANE Select); coding-DNA position 1518, G replaced by A.
Protein change: p.Trp506Ter; replaces tryptophan 506 with a stop codon.
Molecular consequence: nonsense.
Genome position (GRCh38, 1-based): chr18:62,109,890, C>T on the plus strand (G>A on the coding strand, the complement: PIGN is on the minus strand). VCF-style: chr18-62109890-C-T. GRCh37 (hg19) VCF-style: chr18-59777123-C-T.
Other names: c.1518G>A, p.Trp506Ter (NM_012327.6); short protein forms W506*.
Identifiers: ClinVar variation 2854179 (VCV002854179.3), dbSNP rs769843030, ClinGen allele CA402605461.